The following is an entry in ClinVar:

ClinVar aggregate classification (germline): Conflicting classifications of pathogenicity. Review status: criteria provided, conflicting classifications (1 of 4 stars). 2 submissions from 2 submitters: Uncertain significance (1); Likely benign (1). Last evaluated 2025-01-23.

Conditions:
Hereditary cancer-predisposing syndrome. Also called: Neoplastic Syndromes, Hereditary; Hereditary neoplastic syndrome; Tumor predisposition; Hereditary Cancer Syndrome. Identifiers: Orphanet 140162, MedGen C0027672, MeSH D009386, MONDO:0015356.
Hereditary breast ovarian cancer syndrome. Also called: BRCA1- and BRCA2-Associated Hereditary Breast and Ovarian Cancer; Hereditary breast and ovarian cancer syndrome (HBOC); Hereditary breast and ovarian cancer syndrome; Hereditary breast and ovarian cancer; Breast and ovarian cancer; Hereditary breast and/or ovarian cancer syndrome. Identifiers: Orphanet 145, MedGen C0677776, MeSH D061325, MONDO:0003582. Disease mechanism: loss of function.

Submissions (2):

Labcorp Genetics (formerly Invitae), Labcorp
Classification: Uncertain significance for Hereditary breast ovarian cancer syndrome. Last evaluated: 2025-01-23. Review status: criteria provided, single submitter. Criteria: Invitae Variant Classification Sherloc (09022015). Collection method: clinical testing. Allele origin: germline.
Comment: This sequence change replaces aspartic acid, which is acidic and polar, with glutamic acid, which is acidic and polar, at codon 381 of the BRCA2 protein (p.Asp381Glu). This variant is not present in population databases (gnomAD no frequency). This variant has not been reported in the literature in individuals affected with BRCA2-related conditions. ClinVar contains an entry for this variant (Variation ID: 1394699). Invitae Evidence Modeling of protein sequence and biophysical properties (such as structural, functional, and spatial information, amino acid conservation, physicochemical variation, residue mobility, and thermodynamic stability) indicates that this missense variant is not expected to disrupt BRCA2 protein function with a negative predictive value of 95%. In summary, the available evidence is currently insufficient to determine the role of this variant in disease. Therefore, it has been classified as a Variant of Uncertain Significance.

University of Washington Department of Laboratory Medicine, University of Washington
Classification: Likely benign for Hereditary cancer-predisposing syndrome. Last evaluated: 2023-03-23. Review status: criteria provided, single submitter. Criteria: Dines et al. (Genet Med. 2020). Collection method: curation. Allele origin: germline.
Comment: Missense variant in a coldspot region where missense variants are very unlikely to be pathogenic (PMID:31911673).

BRCA2 exon 10 coldspot. Reclassification based on statistical prior probability.

NM_000059.4(BRCA2):c.1143C>G (p.Asp381Glu)

Gene: BRCA2 (BRCA2 DNA repair associated; plus strand). Cytogenetic location: 13q13.1.
Variant type: single nucleotide variant.
Coding change: c.1143C>G on transcript NM_000059.4 (MANE Select); coding-DNA position 1143, C replaced by G.
Protein change: p.Asp381Glu; replaces aspartic acid 381 with glutamic acid.
Molecular consequence: missense variant.
Genome position (GRCh38, 1-based): chr13:32,332,621, C>G. VCF-style: chr13-32332621-C-G. GRCh37 (hg19) VCF-style: chr13-32906758-C-G.
Other names: short protein forms D381E.
Identifiers: ClinVar variation 1394699 (VCV001394699.7), dbSNP rs1593892043, ClinGen allele CA387761814.